The following is an entry in ClinVar:

ClinVar aggregate classification (germline): Likely benign. Review status: criteria provided, multiple submitters, no conflicts (2 of 4 stars). 2 submissions from 2 submitters: Likely benign (2). Last evaluated 2018-06-16.

Allele frequency attached by ClinVar (database versions not stated): gnomAD exomes 0.00131; gnomAD 0.00870 and 0.00906; TOPMed 0.00973; 1000 Genomes Project 30x 0.01062; 1000 Genomes Project 0.01138.
gnomAD v4.1: 3,014 of 1,390,814 alleles (0.22%); highest among the groups gnomAD compares: African/African-American, 3%; 31 homozygotes.

Submissions (2):

GeneDx
Classification: Likely benign. Last evaluated: 2018-06-16. Review status: criteria provided, single submitter. Criteria: GeneDx Variant Classification (06012015). Collection method: clinical testing. Allele origin: germline. Affected: yes.
Comment: This variant is considered likely benign or benign based on one or more of the following criteria: it is a conservative change, it occurs at a poorly conserved position in the protein, it is predicted to be benign by multiple in silico algorithms, and/or has population frequency not consistent with disease.

Breakthrough Genomics
Classification: Likely benign. Review status: criteria provided, single submitter. Criteria: ACMG Guidelines, 2015. Collection method: not provided. Allele origin: germline. Inheritance: Autosomal dominant inheritance. Affected: yes.

NM_005477.3(HCN4):c.786-92T>C

Genes: HCN4 (hyperpolarization activated cyclic nucleotide gated potassium channel 4; minus strand), LOC105370890 (uncharacterized LOC105370890; plus strand), LOC126862173 (CDK7 strongly-dependent group 2 enhancer GRCh37_chr15:73635762-73636961; plus strand). Cytogenetic location: 15q24.1.
Variant type: single nucleotide variant.
Coding change: c.786-92T>C on transcript NM_005477.3 (MANE Select); 92 bases into the intron before coding-DNA position 786, T replaced by C.
Molecular consequence: intron variant.
Genome position (GRCh38, 1-based): chr15:73,343,900, A>G on the plus strand (T>C on the coding strand, the complement: HCN4 is on the minus strand). VCF-style: chr15-73343900-A-G. GRCh37 (hg19) VCF-style: chr15-73636241-A-G.
Identifiers: ClinVar variation 676618 (VCV000676618.2), dbSNP rs115331482, ClinGen allele CA272684701.
Genomic context (GRCh38, chr15:73,343,900, plus strand): 5'-AAGAGAGAGAGGACAAGTTACAGACTAAGGGAGGAAGATCTGAGGGACAGCATCTGGGAC[A>G]GAGAAGTCTTGGGAGGTTCTGAGACAGGAAGACAGGCACATGGGTACCAGGGCAAGATGT-3'